The following is an entry in ClinVar:

NM_006393.3(NEBL):c.2142C>T (p.Ile714=)

Genes: NEBL (nebulette; minus strand), LOC126860875 (MED14-independent group 3 enhancer GRCh37_chr10:21105746-21106945; plus strand). Cytogenetic location: 10p12.31.
Variant type: single nucleotide variant.
Coding change: c.2142C>T on transcript NM_006393.3 (MANE Select); coding-DNA position 2142, C replaced by T.
Protein change: p.Ile714=; no amino-acid change (isoleucine 714 retained).
Molecular consequence: synonymous variant. On other transcripts: intron variant (9).
Genome position (GRCh38, 1-based): chr10:20,817,606, G>A on the plus strand (C>T on the coding strand, the complement: NEBL is on the minus strand). VCF-style: chr10-20817606-G-A. GRCh37 (hg19) VCF-style: chr10-21106535-G-A.
Other names: c.250-4666C>T (NM_001377326.1, NM_001377327.1, NM_001377328.1); c.358-4666C>T (NM_213569.2, NM_001173484.2, NM_001377322.1); c.301-4666C>T (NM_001377324.1); c.292-4666C>T (NM_001377325.1); c.310-4666C>T (NM_001377323.1).
Identifiers: ClinVar variation 4739434 (VCV004739434.1).
Genomic context (GRCh38, chr10:20,817,606, plus strand): 5'-CACGTGGACAATGCATTTGATAGTGTAAGAAAAAAGTTACTAAGATGATCACACATTGCT[G>A]ATGTTTTTCTGGTTTTCTTTTGCCCTCTTCAGCTCTGGTGGATCAGAAATTGCAGTTCCC-3'
Protein context (NP_006384.1, residues 704-724): LKRAKENQKN[Ile714=]SNVYYRGQLG

ClinVar aggregate classification (germline): Uncertain significance (1 of 4 stars; one submission).

Conditions:
Primary dilated cardiomyopathy (DCM). Also called: Dilated Cardiomyopathy. Identifiers: Orphanet 217604, MedGen C0007193, MeSH D002311, MONDO:0005021, HP:0001644. Inheritance: Various modes of inheritance.

gnomAD v4.1: 27 of 1,610,942 alleles (0.0017%); highest among the groups gnomAD compares: Non-Finnish European, 0.0023%; no homozygotes.

Submission:

Labcorp Genetics (formerly Invitae), Labcorp
Classification: Uncertain significance for Primary dilated cardiomyopathy. Last evaluated: 2025-12-09. Review status: criteria provided, single submitter. Criteria: Invitae Variant Classification Sherloc (09022015). Collection method: clinical testing. Allele origin: germline.
Comment: This sequence change affects codon 714 of the NEBL mRNA. It is a 'silent' change, meaning that it does not change the encoded amino acid sequence of the NEBL protein. This variant is not present in population databases (gnomAD no frequency). This variant has not been reported in the literature in individuals affected with NEBL-related conditions. Algorithms developed to predict the effect of sequence changes on RNA splicing suggest that this variant may disrupt the consensus splice site. In summary, the available evidence is currently insufficient to determine the role of this variant in disease. Therefore, it has been classified as a Variant of Uncertain Significance.